The following is an entry in ClinVar:

NM_000465.4(BARD1):c.1396C>G (p.His466Asp)

Gene: BARD1 (BRCA1 associated RING domain 1; minus strand). Cytogenetic location: 2q35.
Variant type: single nucleotide variant.
Coding change: c.1396C>G on transcript NM_000465.4 (MANE Select); coding-DNA position 1396, C replaced by G.
Protein change: p.His466Asp; replaces histidine 466 with aspartic acid.
Molecular consequence: missense variant. On other transcripts: non-coding transcript variant (3), intron variant (3).
Genome position (GRCh38, 1-based): chr2:214,767,654, G>C on the plus strand (C>G on the coding strand, the complement: BARD1 is on the minus strand). VCF-style: chr2-214767654-G-C. GRCh37 (hg19) VCF-style: chr2-215632378-G-C.
Other names: c.1339C>G, p.His447Asp (NM_001282543.2); c.159-15099C>G (NM_001282548.2); c.216-15099C>G (NM_001282545.2); c.364+24643C>G (NM_001282549.2); c.1396C>G (NM_000465.2); short protein forms H447D, H466D.
Identifiers: ClinVar variation 3779394 (VCV003779394.2).

ClinVar aggregate classification (germline): Uncertain significance. Review status: criteria provided, multiple submitters, no conflicts (2 of 4 stars). 2 submissions from 2 submitters: Uncertain significance (2). Last evaluated 2026-04-12.

Conditions:
Hereditary cancer-predisposing syndrome. Also called: Hereditary Cancer Syndrome; Hereditary neoplastic syndrome; Neoplastic Syndromes, Hereditary; Tumor predisposition. Identifiers: Orphanet 140162, MedGen C0027672, MeSH D009386, MONDO:0015356.
Familial cancer of breast. Also called: hereditary breast carcinoma; BREAST CANCER, FAMILIAL; Hereditary breast cancer. Identifiers: Orphanet 227535, MedGen C0346153, MONDO:0016419, OMIM 114480. Disease mechanism: loss of function.

Submissions (2):

Ambry Genetics
Classification: Uncertain significance for Hereditary cancer-predisposing syndrome. Last evaluated: 2026-04-12. Review status: criteria provided, single submitter. Criteria: Ambry Variant Classification Scheme 2023. Collection method: clinical testing. Allele origin: germline.
Comment: The p.H466D variant (also known as c.1396C>G) is located in coding exon 6 of the BARD1 gene. The histidine at codon 466 is replaced by aspartic acid, an amino acid with similar properties. This change occurs in the first base pair of coding exon 6. This amino acid position is conserved. In addition, this alteration is predicted to be deleterious by in silico analysis. Based on the available evidence, the clinical significance of this variant remains unclear.

Department of Pathology and Laboratory Medicine, Sinai Health System
Classification: Uncertain significance for Familial cancer of breast. Last evaluated: 2021-02-01. Review status: criteria provided, single submitter. Criteria: ACMG Guidelines, 2015. Collection method: clinical testing. Allele origin: germline. Affected: yes.